The following is an entry in ClinVar:

ClinVar aggregate classification (germline): Uncertain significance (1 of 4 stars; one submission).

Allele frequency attached by ClinVar (database versions not stated): gnomAD exomes below 0.00001.
gnomAD v4.1: 3 of 1,613,394 alleles (0.00019%); highest among the groups gnomAD compares: Non-Finnish European, 0.00025%; no homozygotes.

Submission:

GeneDx
Classification: Uncertain significance. Last evaluated: 2020-01-27. Review status: criteria provided, single submitter. Criteria: GeneDx Variant Classification Process June 2021. Collection method: clinical testing. Allele origin: germline. Affected: yes.
Comment: Not observed in large population cohorts (Lek et al., 2016); In silico analysis, which includes protein predictors and evolutionary conservation, supports that this variant does not alter protein structure/function; Has not been previously published as pathogenic or benign to our knowledge

NM_001042545.2(LTBP4):c.3319G>C (p.Gly1107Arg)

Gene: LTBP4 (latent transforming growth factor beta binding protein 4; plus strand). Cytogenetic location: 19q13.2.
Variant type: single nucleotide variant.
Coding change: c.3319G>C on transcript NM_001042545.2 (MANE Select); coding-DNA position 3319, G replaced by C.
Protein change: p.Gly1107Arg; replaces glycine 1107 with arginine.
Molecular consequence: missense variant.
Genome position (GRCh38, 1-based): chr19:40,622,502, G>C. VCF-style: chr19-40622502-G-C. GRCh37 (hg19) VCF-style: chr19-41128407-G-C.
Other names: c.3520G>C, p.Gly1174Arg (NM_001042544.1); c.3409G>C, p.Gly1137Arg (NM_003573.2); short protein forms G1107R, G1137R, G1174R.
Identifiers: ClinVar variation 1312720 (VCV001312720.2), dbSNP rs989791063, ClinGen allele CA405905644.